The following is an entry in ClinVar:

NM_001388303.1(HECTD4):c.5872C>A (p.Arg1958=)

Gene: HECTD4 (HECT domain E3 ubiquitin protein ligase 4; minus strand). Cytogenetic location: 12q24.13.
Variant type: single nucleotide variant.
Coding change: c.5872C>A on transcript NM_001388303.1 (MANE Select); coding-DNA position 5872, C replaced by A.
Protein change: p.Arg1958=; no amino-acid change (arginine 1958 retained).
Molecular consequence: synonymous variant.
Genome position (GRCh38, 1-based): chr12:112,235,120, G>T on the plus strand (C>A on the coding strand, the complement: HECTD4 is on the minus strand). VCF-style: chr12-112235120-G-T. GRCh37 (hg19) VCF-style: chr12-112672924-G-T.
Other names: c.5902C>A, p.Arg1968= (NM_001109662.4).
Identifiers: ClinVar variation 4083779 (VCV004083779.8).
Genomic context (GRCh38, chr12:112,235,120, plus strand): 5'-ACAATCATTATGGTCACCTTAGCAATGGCTGGAGGACTTCATGGGATGACTGGTCTTCCC[G>T]CTTGTGGATAAATATCGAGAGCTTGCCATCCACAGCCTCACTCTCTTCTCCAGGATCTTT-3'
Protein context (NP_001375232.1, residues 1948-1968): DGKLSIFIHK[Arg1958=]EDQSSHEVLQ

ClinVar aggregate classification (germline): Likely benign (1 of 4 stars; one submission).

gnomAD v4.1: 752 of 1,603,014 alleles (0.047%); highest among the groups gnomAD compares: African/African-American, 0.89%; 5 homozygotes.

Submission:

CeGaT Center for Human Genetics Tuebingen
Classification: Likely benign. Last evaluated: 2025-07-01. Review status: criteria provided, single submitter. Criteria: CeGaT Center For Human Genetics Tuebingen Variant Classification Criteria Version 2. Collection method: clinical testing. Allele origin: germline. Affected: yes. Observed: 1 variant allele.
Comment: HECTD4: BP4